The following is an entry in ClinVar:

ClinVar aggregate classification (germline): Benign. Review status: criteria provided, multiple submitters, no conflicts (2 of 4 stars). 2 submissions from 2 submitters: Benign (2). Last evaluated 2018-06-19.

Allele frequency attached by ClinVar (database versions not stated): 1000 Genomes Project 30x 0.22267; 1000 Genomes Project 0.22484; TOPMed 0.24004; gnomAD 0.25242 and 0.25384.
gnomAD v4.1: 316,612 of 1,084,042 alleles (29%); highest among the groups gnomAD compares: Middle Eastern, 33%; 48,086 homozygotes.

Submissions (2):

GeneDx
Classification: Benign. Last evaluated: 2018-06-19. Review status: criteria provided, single submitter. Criteria: GeneDx Variant Classification (06012015). Collection method: clinical testing. Allele origin: germline. Affected: yes.
Comment: This variant is considered likely benign or benign based on one or more of the following criteria: it is a conservative change, it occurs at a poorly conserved position in the protein, it is predicted to be benign by multiple in silico algorithms, and/or has population frequency not consistent with disease.

Breakthrough Genomics
Classification: Benign. Review status: criteria provided, single submitter. Criteria: ACMG Guidelines, 2015. Collection method: not provided. Allele origin: germline. Inheritance: Autosomal dominant inheritance. Affected: yes.

NM_006514.4(SCN10A):c.599+120C>T

Gene: SCN10A (sodium voltage-gated channel alpha subunit 10; minus strand). Cytogenetic location: 3p22.2.
Variant type: single nucleotide variant.
Coding change: c.599+120C>T on transcript NM_006514.4 (MANE Select); 120 bases into the intron after coding-DNA position 599, C replaced by T.
Molecular consequence: intron variant.
Genome position (GRCh38, 1-based): chr3:38,771,159, G>A on the plus strand (C>T on the coding strand, the complement: SCN10A is on the minus strand). VCF-style: chr3-38771159-G-A. GRCh37 (hg19) VCF-style: chr3-38812650-G-A.
Other names: c.599+120C>T (NM_001293307.2, NM_001293306.2).
Identifiers: ClinVar variation 669274 (VCV000669274.2), dbSNP rs10212338, ClinGen allele CA15279364.
Genomic context (GRCh38, chr3:38,771,159, plus strand): 5'-AGGATCTATGAATTCTTTCAGTTCTCCTGGTATATTCCTGCAGTGGTTCTTGGAGCAAAC[G>A]TTCATGGTGTGAGTCTCCACACTCTGTCCAAGTGGGACCTGCATGTTAGCCCTGTCTCCT-3'